The following is an entry in ClinVar:

ClinVar aggregate classification (germline): Uncertain significance (1 of 4 stars; one submission).

Conditions:
Ullrich congenital muscular dystrophy 2 (UCMD2). Identifiers: Orphanet 75840, MedGen C4225314, MONDO:0014654, OMIM 616470.
Bethlem myopathy 2 (BTHLM2). Identifiers: Orphanet 536516, Orphanet 610, MedGen C4225313, MONDO:0034022, OMIM 616471.

Allele frequency attached by ClinVar (database versions not stated): gnomAD 0.00001; ExAC 0.00002; gnomAD exomes 0.00001.
gnomAD v4.1: 5 of 1,613,726 alleles (0.00031%); highest among the groups gnomAD compares: Non-Finnish European, 0.00034%; no homozygotes.

Submission:

Labcorp Genetics (formerly Invitae), Labcorp
Classification: Uncertain significance for Bethlem myopathy 2; Ullrich congenital muscular dystrophy 2. Last evaluated: 2025-11-04. Review status: criteria provided, single submitter. Criteria: Invitae Variant Classification Sherloc (09022015). Collection method: clinical testing. Allele origin: germline.
Comment: This sequence change replaces glutamine, which is neutral and polar, with lysine, which is basic and polar, at codon 1288 of the COL12A1 protein (p.Gln1288Lys). This variant is present in population databases (rs772151427, gnomAD 0.002%). This variant has not been reported in the literature in individuals affected with COL12A1-related conditions. ClinVar contains an entry for this variant (Variation ID: 2932452). Invitae Evidence Modeling of protein sequence and biophysical properties (such as structural, functional, and spatial information, amino acid conservation, physicochemical variation, residue mobility, and thermodynamic stability) indicates that this missense variant is not expected to disrupt COL12A1 protein function with a negative predictive value of 80%. In summary, the available evidence is currently insufficient to determine the role of this variant in disease. Therefore, it has been classified as a Variant of Uncertain Significance.

NM_004370.6(COL12A1):c.3862C>A (p.Gln1288Lys)

Gene: COL12A1 (collagen type XII alpha 1 chain; minus strand). Cytogenetic location: 6q13.
Variant type: single nucleotide variant.
Coding change: c.3862C>A on transcript NM_004370.6 (MANE Select); coding-DNA position 3862, C replaced by A.
Protein change: p.Gln1288Lys; replaces glutamine 1288 with lysine.
Molecular consequence: missense variant.
Genome position (GRCh38, 1-based): chr6:75,152,005, G>T on the plus strand (C>A on the coding strand, the complement: COL12A1 is on the minus strand). VCF-style: chr6-75152005-G-T. GRCh37 (hg19) VCF-style: chr6-75861721-G-T.
Other names: c.3862C>A, p.Gln1288Lys (NM_001424113.1, NM_001424114.1); c.3589C>A, p.Gln1197Lys (NM_001424115.1); c.370C>A, p.Gln124Lys (NM_001424116.1, NM_080645.3); short protein forms Q1197K, Q124K, Q1288K.
Identifiers: ClinVar variation 2932452 (VCV002932452.3), dbSNP rs772151427, ClinGen allele CA3893595.
Genomic context (GRCh38, chr6:75,152,005, plus strand): 5'-TAATGAGCACACCAATTTTTCGAGCTCGAGGTCTCATGCCAGCTTGGGTCCTGAAGTTCT[G>T]TTGGCGAATGAAATTCAAAGCCATGCCTAGTGGGATTTTTAAAAGAGAATCAGTCACATC-3'
Protein context (NP_004361.3, residues 1278-1298): TGMALNFIRQ[Gln1288Lys]NFRTQAGMRP